The following is an entry in ClinVar:

NM_016156.6(MTMR2):c.52C>T (p.Arg18Trp)

Gene: MTMR2 (myotubularin related protein 2; minus strand). Cytogenetic location: 11q21.
Variant type: single nucleotide variant.
Coding change: c.52C>T on transcript NM_016156.6 (MANE Select); coding-DNA position 52, C replaced by T.
Protein change: p.Arg18Trp; replaces arginine 18 with tryptophan.
Molecular consequence: missense variant. On other transcripts: 5 prime UTR variant (3).
Genome position (GRCh38, 1-based): chr11:95,923,903, G>A on the plus strand (C>T on the coding strand, the complement: MTMR2 is on the minus strand). VCF-style: chr11-95923903-G-A. GRCh37 (hg19) VCF-style: chr11-95657067-G-A.
Other names: c.-432C>T (NM_001243571.2); c.-359C>T (NM_201278.3); c.-236C>T (NM_201281.3); short protein forms R18W.
Identifiers: ClinVar variation 958567 (VCV000958567.10), dbSNP rs1177699275, ClinGen allele CA382416262.
Genomic context (GRCh38, chr11:95,923,903, plus strand): 5'-ACGCTGGGCGGGGCCCTGGGCGTCCTGGTTACCTGGACAAGGAGTCCACGCTGGGCGGCC[G>A]AGCCGCCGCCGGCTGGGAGCCAAGACTCTCGCAGCTCGAGCTCTTCTCCATCGCGCGGCA-3'
Protein context (NP_057240.3, residues 8-28): ESLGSQPAAA[Arg18Trp]PPSVDSLSSA

ClinVar aggregate classification (germline): Uncertain significance. Review status: criteria provided, multiple submitters, no conflicts (2 of 4 stars). 2 submissions from 2 submitters: Uncertain significance (2). Last evaluated 2022-03-23.

Conditions:
Charcot-Marie-Tooth disease type 4. Also called: Charcot-Marie-Tooth, Type 4; Charcot-Marie-Tooth disease, type IV. Identifiers: Orphanet 64749, MedGen C4082197, MONDO:0018995.
Inborn genetic diseases. Identifiers: MedGen C0950123, MeSH D030342.

Allele frequency attached by ClinVar (database versions not stated): TOPMed below 0.00001; gnomAD 0.00001; gnomAD exomes 0.00001.
gnomAD v4.1: 12 of 1,558,292 alleles (0.00077%); highest among the groups gnomAD compares: South Asian, 0.0012%; no homozygotes.

Submissions (2):

Ambry Genetics
Classification: Uncertain significance for Inborn genetic diseases. Last evaluated: 2022-03-23. Review status: criteria provided, single submitter. Criteria: Ambry Variant Classification Scheme 2023. Collection method: clinical testing. Allele origin: germline.

Labcorp Genetics (formerly Invitae), Labcorp
Classification: Uncertain significance for Charcot-Marie-Tooth disease type 4. Last evaluated: 2022-02-04. Review status: criteria provided, single submitter. Criteria: Invitae Variant Classification Sherloc (09022015). Collection method: clinical testing. Allele origin: germline.
Comment: This sequence change replaces arginine, which is basic and polar, with tryptophan, which is neutral and slightly polar, at codon 18 of the MTMR2 protein (p.Arg18Trp). In summary, the available evidence is currently insufficient to determine the role of this variant in disease. Therefore, it has been classified as a Variant of Uncertain Significance. Algorithms developed to predict the effect of missense changes on protein structure and function are either unavailable or do not agree on the potential impact of this missense change (SIFT: "Deleterious"; PolyPhen-2: "Benign"; Align-GVGD: "Class C0"). ClinVar contains an entry for this variant (Variation ID: 958567). This variant has not been reported in the literature in individuals affected with MTMR2-related conditions. The frequency data for this variant in the population databases is considered unreliable, as metrics indicate poor data quality at this position in the gnomAD database.